The following is an entry in ClinVar:

NM_003000.3(SDHB):c.723C>G (p.Tyr241Ter)

Gene: SDHB (succinate dehydrogenase complex iron sulfur subunit B; minus strand). Cytogenetic location: 1p36.13.
Variant type: single nucleotide variant.
Coding change: c.723C>G on transcript NM_003000.3 (MANE Select); coding-DNA position 723, C replaced by G.
Protein change: p.Tyr241Ter; replaces tyrosine 241 with a stop codon.
Molecular consequence: nonsense.
Genome position (GRCh38, 1-based): chr1:17,022,650, G>C on the plus strand (C>G on the coding strand, the complement: SDHB is on the minus strand). VCF-style: chr1-17022650-G-C. GRCh37 (hg19) VCF-style: chr1-17349145-G-C.
Other names: c.669C>G, p.Tyr223Ter (NM_001407361.1); short protein forms Y223*, Y241*.
Identifiers: ClinVar variation 3773499 (VCV003773499.1).

ClinVar aggregate classification (germline): Pathogenic (1 of 4 stars; one submission).

Conditions:
Pheochromocytoma/paraganglioma syndrome 4. Also called: CAROTID BODY TUMORS AND MULTIPLE EXTRAADRENAL PHEOCHROMOCYTOMAS; PARAGANGLIOMA, FAMILIAL MALIGNANT; PARAGANGLIOMAS, HEREDITARY EXTRAADRENAL; PHEOCHROMOCYTOMA, FAMILIAL EXTRAADRENAL; Paragangliomas 4; SDHB-Related Hereditary Paraganglioma-Pheochromocytoma Syndrome (Paragangliomas 4). Identifiers: Orphanet 29072, MedGen C1861848, MONDO:0007273, OMIM 115310.

Submission:

Myriad Genetics, Inc.
Classification: Pathogenic for Pheochromocytoma/paraganglioma syndrome 4. Last evaluated: 2024-10-07. Review status: criteria provided, single submitter. Criteria: Myriad Autosomal Dominant, Autosomal Recessive and X-Linked Classification Criteria (2023). Collection method: clinical testing. Allele origin: unknown.
Comment: This variant is considered pathogenic. This variant creates a termination codon and is predicted to result in premature protein truncation.